The following is an entry in ClinVar:

ClinVar aggregate classification (germline): Uncertain significance (1 of 4 stars; one submission).

Conditions:
Microcephaly, growth deficiency, seizures, and brain malformations. Identifiers: MedGen C5193042, MONDO:0032690, OMIM 618346.

Submission:

OLLIN Analises Genomicas, OLLIN
Classification: Uncertain significance for Microcephaly, growth deficiency, seizures, and brain malformations. Last evaluated: 2026-08-06. Review status: criteria provided, single submitter. Criteria: ACMG Guidelines 2015 PMID 25741868. Collection method: clinical testing. Allele origin: germline.
Comment: This variant is absent from gnomAD and ClinVar and has not been found in the scientific literature. According to the currently available evidence, this variant has been classified as uncertain significance (PM2_P, PP3).

NM_018669.6(WDR4):c.566+10C>A

Gene: WDR4 (WDR4 tRNA N7-guanosine methyltransferase non-catalytic subunit; minus strand). Cytogenetic location: 21q22.3.
Variant type: single nucleotide variant.
Coding change: c.566+10C>A on transcript NM_018669.6 (MANE Select); 10 bases into the intron after coding-DNA position 566, C replaced by A.
Molecular consequence: intron variant.
Genome position (GRCh38, 1-based): chr21:42,862,272, G>T on the plus strand (C>A on the coding strand, the complement: WDR4 is on the minus strand). VCF-style: chr21-42862272-G-T. GRCh37 (hg19) VCF-style: chr21-44282382-G-T.
Other names: c.566+10C>A (NM_033661.5, NM_001260474.2); c.128+10C>A (NM_001260476.2, NM_001260475.2, NM_001260477.2).
Identifiers: ClinVar variation 5002658 (VCV005002658.1).
Genomic context (GRCh38, chr21:42,862,272, plus strand): 5'-CTGAGCCGCAAGCTGACGCTGTTTTCAAACAGACCTTCTTTCTGCTGGAGGGGCAGGAAG[G>T]GGCACTCACTCTGTGTGCCCCAAGCAGAAGGACTCGATGCTATGGGGCGCCGCGGCCCAG-3'